The following is an entry in ClinVar:

ClinVar aggregate classification (germline): Pathogenic (1 of 4 stars; one submission).

Conditions:
Von Hippel-Lindau syndrome (VHLS). Also called: von Hippel–Lindau syndrome; VHL syndrome; Von Hippel-Lindau. Identifiers: Orphanet 892, MedGen C0019562, MONDO:0008667, OMIM 193300. Disease mechanism: loss of function.
Chuvash polycythemia. Also called: POLYCYTHEMIA, VHL-DEPENDENT. Identifiers: Orphanet 238557, MedGen C1837915, MONDO:0009892, OMIM 263400.

Submission:

Labcorp Genetics (formerly Invitae), Labcorp
Classification: Pathogenic for Von Hippel-Lindau syndrome; Chuvash polycythemia. Last evaluated: 2023-05-23. Review status: criteria provided, single submitter. Criteria: Invitae Variant Classification Sherloc (09022015). Collection method: clinical testing. Allele origin: germline.
Comment: This sequence change creates a premature translational stop signal (p.Gly104Alafs*28) in the VHL gene. It is expected to result in an absent or disrupted protein product. Loss-of-function variants in VHL are known to be pathogenic (PMID: 8956040, 12202531). This variant is not present in population databases (gnomAD no frequency). For these reasons, this variant has been classified as Pathogenic. This variant has not been reported in the literature in individuals affected with VHL-related conditions.

Literature cited by the submitters: PubMed 8956040; PubMed 12202531.

NM_000551.4(VHL):c.310_311insC (p.Gly104fs)

Gene: VHL (von Hippel-Lindau tumor suppressor; plus strand). Cytogenetic location: 3p25.3.
Variant type: Insertion.
Coding change: c.310_311insC on transcript NM_000551.4 (MANE Select); coding-DNA positions 310 to 311, C inserted.
Protein change: p.Gly104fs; shifts the reading frame from glycine 104.
Molecular consequence: frameshift variant. On other transcripts: non-coding transcript variant (1).
Genome position: GRCh38 VCF-style: chr3-10142157-G-GC. GRCh37 (hg19) VCF-style: chr3-10183841-G-GC.
Other names: c.310_311insC, p.Gly104fs (NM_001354723.2, NM_198156.3); short protein forms G104fs.
Identifiers: ClinVar variation 2948152 (VCV002948152.3), dbSNP rs2470158667, ClinGen allele CA2740090909.